The following is an entry in ClinVar:

NM_001394062.1(MACF1):c.1214T>C (p.Ile405Thr)

Gene: MACF1 (microtubule actin crosslinking factor 1; plus strand). Cytogenetic location: 1p34.3.
Variant type: single nucleotide variant.
Coding change: c.1214T>C on transcript NM_001394062.1 (MANE Select); coding-DNA position 1214, T replaced by C.
Protein change: p.Ile405Thr; replaces isoleucine 405 with threonine.
Molecular consequence: missense variant.
Genome position (GRCh38, 1-based): chr1:39,285,165, T>C. VCF-style: chr1-39285165-T-C. GRCh37 (hg19) VCF-style: chr1-39750837-T-C.
Other names: c.1229T>C, p.Ile410Thr (NM_012090.5); short protein forms I410T, I405T.
Identifiers: ClinVar variation 3674549 (VCV003674549.2).

ClinVar aggregate classification (germline): Uncertain significance (1 of 4 stars; one submission).

gnomAD v4.1: 8 of 1,614,210 alleles (0.0005%); highest among the groups gnomAD compares: East Asian, 0.0022%; no homozygotes.

Submission:

Labcorp Genetics (formerly Invitae), Labcorp
Classification: Uncertain significance. Last evaluated: 2024-04-11. Review status: criteria provided, single submitter. Criteria: Invitae Variant Classification Sherloc (09022015). Collection method: clinical testing. Allele origin: germline.
Comment: This sequence change replaces isoleucine, which is neutral and non-polar, with threonine, which is neutral and polar, at codon 410 of the MACF1 protein (p.Ile410Thr). This variant is present in population databases (rs565428717, gnomAD 0.007%). This variant has not been reported in the literature in individuals affected with MACF1-related conditions. An algorithm developed to predict the effect of missense changes on protein structure and function (PolyPhen-2) suggests that this variant is likely to be tolerated. In summary, the available evidence is currently insufficient to determine the role of this variant in disease. Therefore, it has been classified as a Variant of Uncertain Significance.